The following is an entry in ClinVar:

NM_002246.3(KCNK3):c.832A>T (p.Ser278Cys)

Gene: KCNK3 (potassium two pore domain channel subfamily K member 3; plus strand). Cytogenetic location: 2p23.3.
Variant type: single nucleotide variant.
Coding change: c.832A>T on transcript NM_002246.3 (MANE Select); coding-DNA position 832, A replaced by T.
Protein change: p.Ser278Cys; replaces serine 278 with cysteine.
Molecular consequence: missense variant.
Genome position (GRCh38, 1-based): chr2:26,728,215, A>T. VCF-style: chr2-26728215-A-T. GRCh37 (hg19) VCF-style: chr2-26951083-A-T.
Other names: short protein forms S278C.
Identifiers: ClinVar variation 541325 (VCV000541325.13), dbSNP rs368524386, ClinGen allele CA1565552.

ClinVar aggregate classification (germline): Uncertain significance. Review status: criteria provided, multiple submitters, no conflicts (2 of 4 stars). 3 submissions from 3 submitters: Uncertain significance (3). Last evaluated 2025-11-25.

Conditions:
Inborn genetic diseases. Identifiers: MedGen C0950123, MeSH D030342.
Pulmonary hypertension, primary, 4. Identifiers: Orphanet 422, MedGen C3809198, MONDO:0014136, OMIM 615344.

Allele frequency attached by ClinVar (database versions not stated): TOPMed 0.00015; gnomAD exomes 0.00022 and 0.00026; ESP Exome Variant Server 0.00024; ExAC 0.00033; gnomAD 0.00015 and 0.00012.
gnomAD v4.1: 379 of 1,562,388 alleles (0.024%); highest among the groups gnomAD compares: South Asian, 0.051%; no homozygotes.

Submissions (3):

Labcorp Genetics (formerly Invitae), Labcorp
Classification: Uncertain significance for Pulmonary hypertension, primary, 4. Last evaluated: 2025-11-25. Review status: criteria provided, single submitter. Criteria: Invitae Variant Classification Sherloc (09022015). Collection method: clinical testing. Allele origin: germline.
Comment: This sequence change replaces serine, which is neutral and polar, with cysteine, which is neutral and slightly polar, at codon 278 of the KCNK3 protein (p.Ser278Cys). This variant is present in population databases (rs368524386, gnomAD 0.05%), and has an allele count higher than expected for a pathogenic variant. This variant has not been reported in the literature in individuals affected with KCNK3-related conditions. ClinVar contains an entry for this variant (Variation ID: 541325). Invitae Evidence Modeling of protein sequence and biophysical properties (such as structural, functional, and spatial information, amino acid conservation, physicochemical variation, residue mobility, and thermodynamic stability) indicates that this missense variant is not expected to disrupt KCNK3 protein function with a negative predictive value of 80%. In summary, the available evidence is currently insufficient to determine the role of this variant in disease. Therefore, it has been classified as a Variant of Uncertain Significance.

Ambry Genetics
Classification: Uncertain significance for Inborn genetic diseases. Last evaluated: 2021-08-12. Review status: criteria provided, single submitter. Criteria: Ambry Variant Classification Scheme 2023. Collection method: clinical testing. Allele origin: germline.

Stanford Center for Inherited Cardiovascular Disease, Stanford University
Classification: Uncertain significance. Last evaluated: 2017-09-28. Review status: criteria provided, single submitter. Criteria: ACMG Guidelines, 2015. Collection method: provider interpretation. Allele origin: germline.